The following is an entry in ClinVar:

NM_004958.4(MTOR):c.5497A>G (p.Thr1833Ala)

Gene: MTOR (mechanistic target of rapamycin kinase; minus strand). Cytogenetic location: 1p36.22.
Variant type: single nucleotide variant.
Coding change: c.5497A>G on transcript NM_004958.4 (MANE Select); coding-DNA position 5497, A replaced by G.
Protein change: p.Thr1833Ala; replaces threonine 1833 with alanine.
Molecular consequence: missense variant.
Genome position (GRCh38, 1-based): chr1:11,130,645, T>C on the plus strand (A>G on the coding strand, the complement: MTOR is on the minus strand). VCF-style: chr1-11130645-T-C. GRCh37 (hg19) VCF-style: chr1-11190702-T-C.
Other names: c.5497A>G, p.Thr1833Ala (NM_001386500.1); c.4249A>G, p.Thr1417Ala (NM_001386501.1); short protein forms T1417A, T1833A.
Identifiers: ClinVar variation 2505632 (VCV002505632.1), dbSNP rs1643099543, ClinGen allele CA338398467.

ClinVar aggregate classification (germline): Uncertain significance (1 of 4 stars; one submission).

Allele frequency attached by ClinVar (database versions not stated): TOPMed 0.00001.

Submission:

GeneDx
Classification: Uncertain significance. Last evaluated: 2022-12-16. Review status: criteria provided, single submitter. Criteria: GeneDx Variant Classification Process June 2021. Collection method: clinical testing. Allele origin: germline. Affected: yes.
Comment: Not observed at significant frequency in large population cohorts (gnomAD); In silico analysis supports that this missense variant does not alter protein structure/function; Has not been previously published as pathogenic or benign to our knowledge